The following is an entry in ClinVar:

ClinVar aggregate classification (germline): Uncertain significance (0 of 4 stars; one submission).

Submission:

Leiden Open Variation Database
Classification: Uncertain significance. Last evaluated: 2021-04-06. Review status: no assertion criteria provided. Collection method: curation. Allele origin: germline. Affected: yes.
Comment: Curator: Global Variome, with Curator vacancy. Submitter to LOVD: Manon Peeters.

Literature cited by the submitters: PubMed 9007328.

NM_000322.5(PRPH2):c.540C>G (p.Ile180Met)

Gene: PRPH2 (peripherin 2; minus strand). Cytogenetic location: 6p21.1.
Variant type: single nucleotide variant.
Coding change: c.540C>G on transcript NM_000322.5 (MANE Select); coding-DNA position 540, C replaced by G.
Protein change: p.Ile180Met; replaces isoleucine 180 with methionine.
Molecular consequence: missense variant.
Genome position (GRCh38, 1-based): chr6:42,721,795, G>C on the plus strand (C>G on the coding strand, the complement: PRPH2 is on the minus strand). VCF-style: chr6-42721795-G-C. GRCh37 (hg19) VCF-style: chr6-42689533-G-C.
Other names: short protein forms I180M.
Identifiers: ClinVar variation 1175257 (VCV001175257.1), dbSNP rs2152010881, ClinGen allele CA364137331.